The following is an entry in ClinVar:

ClinVar aggregate classification (germline): Uncertain significance (1 of 4 stars; one submission).

Submission:

Labcorp Genetics (formerly Invitae), Labcorp
Classification: Uncertain significance. Last evaluated: 2022-06-29. Review status: criteria provided, single submitter. Criteria: Invitae Variant Classification Sherloc (09022015). Collection method: clinical testing. Allele origin: germline.
Comment: This sequence change replaces tyrosine, which is neutral and polar, with cysteine, which is neutral and slightly polar, at codon 895 of the KMT2E protein (p.Tyr895Cys). This variant is not present in population databases (gnomAD no frequency). In summary, the available evidence is currently insufficient to determine the role of this variant in disease. Therefore, it has been classified as a Variant of Uncertain Significance. Algorithms developed to predict the effect of missense changes on protein structure and function are either unavailable or do not agree on the potential impact of this missense change (SIFT: "Deleterious"; PolyPhen-2: "Possibly Damaging"; Align-GVGD: "Class C0"). This variant has not been reported in the literature in individuals affected with KMT2E-related conditions.

NM_182931.3(KMT2E):c.2684A>G (p.Tyr895Cys)

Gene: KMT2E (lysine methyltransferase 2E (inactive); plus strand). Cytogenetic location: 7q22.3.
Variant type: single nucleotide variant.
Coding change: c.2684A>G on transcript NM_182931.3 (MANE Select); coding-DNA position 2684, A replaced by G.
Protein change: p.Tyr895Cys; replaces tyrosine 895 with cysteine.
Molecular consequence: missense variant.
Genome position (GRCh38, 1-based): chr7:105,106,609, A>G. VCF-style: chr7-105106609-A-G. GRCh37 (hg19) VCF-style: chr7-104747056-A-G.
Other names: c.2684A>G, p.Tyr895Cys (NM_001410908.1, NM_018682.4); short protein forms Y895C.
Identifiers: ClinVar variation 2131562 (VCV002131562.4), dbSNP rs2536506254, ClinGen allele CA368787386.